The following is an entry in ClinVar:

ClinVar aggregate classification (germline): Uncertain significance. Review status: criteria provided, multiple submitters, no conflicts (2 of 4 stars). 8 submissions from 8 submitters: Uncertain significance (8). Last evaluated 2025-12-05.

Conditions:
Hereditary cancer-predisposing syndrome. Also called: Tumor predisposition; Hereditary Cancer Syndrome; Hereditary neoplastic syndrome; Neoplastic Syndromes, Hereditary. Identifiers: Orphanet 140162, MedGen C0027672, MeSH D009386, MONDO:0015356.
Hereditary nonpolyposis colorectal neoplasms. Identifiers: MedGen C0009405, MeSH D003123.
Lynch syndrome. Identifiers: Orphanet 144, MedGen C4552100, MONDO:0005835. Disease mechanism: loss of function.
Lynch syndrome 5 (LYNCH5). Also called: Hereditary non-polyposis colorectal cancer, type 5; Colorectal cancer, hereditary nonpolyposis, type 5. Identifiers: Orphanet 144, MedGen C1833477, MONDO:0013710, OMIM 614350. Disease mechanism: loss of function.

gnomAD v4.1: 1 of 1,614,112 alleles (0.000062%); highest among the groups gnomAD compares: Middle Eastern, 0.016%; no homozygotes.

Submissions (8):

Mayo Clinic Laboratories, Mayo Clinic
Classification: Uncertain significance. Last evaluated: 2025-12-05. Review status: criteria provided, single submitter. Criteria: ACMG Guidelines, 2015. Collection method: clinical testing. Allele origin: germline. Observed: 1 variant allele.
Comment: BP4, PM2_supporting

Labcorp Genetics (formerly Invitae), Labcorp
Classification: Uncertain significance for Hereditary nonpolyposis colorectal neoplasms. Last evaluated: 2025-10-06. Review status: criteria provided, single submitter. Criteria: Invitae Variant Classification Sherloc (09022015). Collection method: clinical testing. Allele origin: germline.
Comment: This sequence change replaces threonine, which is neutral and polar, with serine, which is neutral and polar, at codon 553 of the MSH6 protein (p.Thr553Ser). This variant is not present in population databases (gnomAD no frequency). This variant has not been reported in the literature in individuals affected with MSH6-related conditions. ClinVar contains an entry for this variant (Variation ID: 485861). Invitae Evidence Modeling of protein sequence and biophysical properties (such as structural, functional, and spatial information, amino acid conservation, physicochemical variation, residue mobility, and thermodynamic stability) indicates that this missense variant is not expected to disrupt MSH6 protein function with a negative predictive value of 95%. RNA analysis performed to evaluate the impact of this missense change on mRNA splicing indicates it does not significantly alter splicing (internal data). In summary, the available evidence is currently insufficient to determine the role of this variant in disease. Therefore, it has been classified as a Variant of Uncertain Significance.

KCCC/NGS Laboratory, Kuwait Cancer Control Center
Classification: Uncertain significance for Lynch syndrome 5. Last evaluated: 2024-09-09. Review status: criteria provided, single submitter. Criteria: ACMG Guidelines, 2015. Collection method: clinical testing. Allele origin: germline. Inheritance: Autosomal dominant inheritance. Affected: yes. Observed: 1 heterozygote.
Comment: This sequence change replaces threonine, which is neutral and polar, with serine, which is neutral and polar, at codon 553 of the MSH6 protein (p.Thr553Ser).This amino acid position is not well conserved. This variant has not been reported in the literature in individuals affected with MSH6-related conditions. This variant is not present in population databases (gnomAD no frequency). ClinVar contains an entry for this variant (Variation ID: 485861) . In addition, this alteration is predicted to be tolerated by in silico analysis . In summary, the available evidence is currently insufficient to determine the role of this variant in disease. Therefore, it has been classified as a Variant of Uncertain Significance.

All of Us Research Program, National Institutes of Health
Classification: Uncertain significance for Lynch syndrome. Last evaluated: 2024-01-11. Review status: criteria provided, single submitter. Criteria: ACMG Guidelines, 2015. Collection method: clinical testing. Allele origin: germline. Inheritance: Autosomal dominant inheritance. Observed: 1 variant allele, 1 heterozygote.
Comment: This study involves interpretation of variants in research participants for the purpose of population health screening. Participant phenotype was not available at the time of variant classification. Additional details can be found in publication PMID: 35346344, PMCID: PMC8962531

Women's Health and Genetics/Laboratory Corporation of America, LabCorp
Classification: Uncertain significance. Last evaluated: 2023-08-26. Review status: criteria provided, single submitter. Criteria: LabCorp Variant Classification Summary - May 2015. Collection method: clinical testing. Allele origin: germline.

Color Diagnostics, LLC DBA Color Health
Classification: Uncertain significance for Hereditary cancer-predisposing syndrome. Last evaluated: 2023-07-17. Review status: criteria provided, single submitter. Criteria: ACMG Guidelines, 2015. Collection method: clinical testing. Allele origin: germline.
Comment: This missense variant replaces threonine with serine at codon 553 of the MSH6 protein. Computational prediction suggests that this variant may not impact protein structure and function (internally defined REVEL score threshold <= 0.5, PMID: 27666373). To our knowledge, functional studies have not been reported for this variant. This variant has not been reported in individuals affected with MSH6-related disorders in the literature. This variant has not been identified in the general population by the Genome Aggregation Database (gnomAD). The available evidence is insufficient to determine the role of this variant in disease conclusively. Therefore, this variant is classified as a Variant of Uncertain Significance.

Ambry Genetics
Classification: Uncertain significance for Hereditary cancer-predisposing syndrome. Last evaluated: 2023-01-12. Review status: criteria provided, single submitter. Criteria: Ambry Variant Classification Scheme 2023. Collection method: clinical testing. Allele origin: germline.
Comment: The p.T553S variant (also known as c.1658C>G), located in coding exon 4 of the MSH6 gene, results from a C to G substitution at nucleotide position 1658. The threonine at codon 553 is replaced by serine, an amino acid with similar properties. This amino acid position is not well conserved in available vertebrate species. In addition, this alteration is predicted to be tolerated by in silico analysis. Since supporting evidence is limited at this time, the clinical significance of this alteration remains unclear.

Revvity Omics, Revvity
Classification: Uncertain significance. Last evaluated: 2022-04-08. Review status: criteria provided, single submitter. Criteria: ACMG Guidelines, 2015. Collection method: clinical testing. Allele origin: germline.

NM_000179.3(MSH6):c.1658C>G (p.Thr553Ser)

Gene: MSH6 (mutS homolog 6; plus strand). Cytogenetic location: 2p16.3.
Variant type: single nucleotide variant.
Coding change: c.1658C>G on transcript NM_000179.3 (MANE Select); coding-DNA position 1658, C replaced by G.
Protein change: p.Thr553Ser; replaces threonine 553 with serine.
Molecular consequence: missense variant.
Genome position (GRCh38, 1-based): chr2:47,799,641, C>G. VCF-style: chr2-47799641-C-G. GRCh37 (hg19) VCF-style: chr2-48026780-C-G.
Other names: p.Thr553Ser; c.1268C>G, p.Thr423Ser (NM_001281492.2); c.752C>G, p.Thr251Ser (NM_001281493.2, NM_001281494.2); short protein forms T553S, T251S, T423S.
Identifiers: ClinVar variation 485861 (VCV000485861.24), dbSNP rs1553413038, ClinGen allele CA346747315.